The following is an entry in ClinVar:

ClinVar aggregate classification (germline): Uncertain significance (1 of 4 stars; one submission).

gnomAD v4.1: 1 of 1,614,180 alleles (0.000062%); highest among the groups gnomAD compares: Non-Finnish European, 0.000085%; no homozygotes.

Submission:

GeneDx
Classification: Uncertain significance. Last evaluated: 2025-02-25. Review status: criteria provided, single submitter. Criteria: GeneDx Variant Classification Process June 2021. Collection method: clinical testing. Allele origin: germline. Affected: yes.
Comment: Not observed at significant frequency in large population cohorts (gnomAD); In silico analysis supports that this missense variant has a deleterious effect on protein structure/function; Has not been previously published as pathogenic or benign to our knowledge

NM_004371.4(COPA):c.1877T>C (p.Ile626Thr)

Gene: COPA (coat protein complex I subunit alpha; minus strand). Cytogenetic location: 1q23.2.
Variant type: single nucleotide variant.
Coding change: c.1877T>C on transcript NM_004371.4 (MANE Select); coding-DNA position 1877, T replaced by C.
Protein change: p.Ile626Thr; replaces isoleucine 626 with threonine.
Molecular consequence: missense variant.
Genome position (GRCh38, 1-based): chr1:160,298,945, A>G on the plus strand (T>C on the coding strand, the complement: COPA is on the minus strand). VCF-style: chr1-160298945-A-G. GRCh37 (hg19) VCF-style: chr1-160268735-A-G.
Other names: c.1904T>C, p.Ile635Thr (NM_001098398.2); short protein forms I626T, I635T.
Identifiers: ClinVar variation 4076569 (VCV004076569.1).